The following is an entry in ClinVar:

ClinVar aggregate classification (germline): Uncertain significance. Review status: criteria provided, multiple submitters, no conflicts (2 of 4 stars). 3 submissions from 3 submitters: Uncertain significance (3). Last evaluated 2023-09-13.

Conditions:
Inborn genetic diseases. Identifiers: MedGen C0950123, MeSH D030342.
Epilepsy. Also called: Seizure disorder. Identifiers: MedGen C0014544, MeSH D004827, MONDO:0005027.

Allele frequency attached by ClinVar (database versions not stated): gnomAD 0.00002; TOPMed 0.00002; gnomAD exomes 0.00008; ExAC 0.00009.

Submissions (3):

Ambry Genetics
Classification: Uncertain significance for Inborn genetic diseases. Last evaluated: 2023-09-13. Review status: criteria provided, single submitter. Criteria: Ambry Variant Classification Scheme 2023. Collection method: clinical testing. Allele origin: germline.

Labcorp Genetics (formerly Invitae), Labcorp
Classification: Uncertain significance for Epilepsy. Last evaluated: 2022-11-01. Review status: criteria provided, single submitter. Criteria: Invitae Variant Classification Sherloc (09022015). Collection method: clinical testing. Allele origin: germline.
Comment: This sequence change replaces alanine, which is neutral and non-polar, with threonine, which is neutral and polar, at codon 202 of the PIGQ protein (p.Ala202Thr). This variant is present in population databases (rs762452022, gnomAD 0.1%). This variant has not been reported in the literature in individuals affected with PIGQ-related conditions. ClinVar contains an entry for this variant (Variation ID: 641628). Algorithms developed to predict the effect of missense changes on protein structure and function (SIFT, PolyPhen-2, Align-GVGD) all suggest that this variant is likely to be tolerated. In summary, the available evidence is currently insufficient to determine the role of this variant in disease. Therefore, it has been classified as a Variant of Uncertain Significance.

GeneDx
Classification: Uncertain significance. Last evaluated: 2021-02-16. Review status: criteria provided, single submitter. Criteria: GeneDx Variant Classification Process June 2021. Collection method: clinical testing. Allele origin: germline. Affected: yes.
Comment: In silico analysis, which includes protein predictors and evolutionary conservation, supports that this variant does not alter protein structure/function; Has not been previously published as pathogenic or benign to our knowledge

NM_004204.5(PIGQ):c.604G>A (p.Ala202Thr)

Gene: PIGQ (phosphatidylinositol glycan anchor biosynthesis class Q; plus strand). Cytogenetic location: 16p13.3.
Variant type: single nucleotide variant.
Coding change: c.604G>A on transcript NM_004204.5 (MANE Select); coding-DNA position 604, G replaced by A.
Protein change: p.Ala202Thr; replaces alanine 202 with threonine.
Molecular consequence: missense variant.
Genome position (GRCh38, 1-based): chr16:574,678, G>A. VCF-style: chr16-574678-G-A. GRCh37 (hg19) VCF-style: chr16-624678-G-A.
Other names: c.604G>A (NM_148920.1); c.604G>A, p.Ala202Thr (NM_148920.4); short protein forms A202T.
Identifiers: ClinVar variation 641628 (VCV000641628.9), dbSNP rs762452022, ClinGen allele CA7779917.